The following is an entry in ClinVar:

ClinVar aggregate classification (germline): Pathogenic/Likely pathogenic. Review status: criteria provided, multiple submitters, no conflicts (2 of 4 stars). 3 submissions from 3 submitters: Pathogenic (1); Likely pathogenic (2). Last evaluated 2023-05-20.

Conditions:
Poirier-Bienvenu neurodevelopmental syndrome (POBINDS). Identifiers: Orphanet 689397, MedGen C5231482, MONDO:0032889, OMIM 618732.

Submissions (3):

Neuberg Centre For Genomic Medicine, NCGM
Classification: Likely pathogenic for Poirier-Bienvenu neurodevelopmental syndrome. Last evaluated: 2023-05-20. Review status: criteria provided, single submitter. Criteria: ACMG Guidelines, 2015. Collection method: clinical testing. Allele origin: germline. Inheritance: Autosomal dominant inheritance. Affected: yes.
Comment: The observed stop lost variant c.1A>G(p.Met1?) in CSNK2B gene has been reported previously in heterozygous state in an individual with Poirier–Bienvenu neurodevelopmental syndrome (Yang Q, et al., 2022). A different aminoacid c.2T>G (p.Met1Arg) is reported as Pathogenic at the same position. The c.1A>G variant is absent in gnomAD Exomes. This variant has been reported to the ClinVar database as Pathogenic/Likely Pathogenic. Multiple lines of computational evidence (Polyphen and SIFT) predict a damaging effect on protein structure and function for this variant. The p.Met1? variant is predicted to disrupt the initiation codon, and thus potentially may interfere with protein expression. For these reasons, this variant has been classified as Likely Pathogenic.

CeGaT Center for Human Genetics Tuebingen
Classification: Likely pathogenic. Last evaluated: 2020-06-01. Review status: criteria provided, single submitter. Criteria: CeGaT Center For Human Genetics Tuebingen Variant Classification Criteria Version 2. Collection method: clinical testing. Allele origin: germline. Affected: yes. Observed: 1 variant allele.

GeneDx
Classification: Pathogenic. Last evaluated: 2020-04-16. Review status: criteria provided, single submitter. Criteria: GeneDx Variant Classification Process June 2021. Collection method: clinical testing. Allele origin: germline. Affected: yes.
Comment: Has not been previously published as pathogenic or benign to our knowledge; Initiation codon variant in a gene for which loss-of-function is a known mechanism of disease; Not observed in large population cohorts (Lek et al., 2016)

NM_001320.7(CSNK2B):c.1A>G (p.Met1Val)

Gene: CSNK2B (casein kinase 2 beta; plus strand). Cytogenetic location: 6p21.33.
Variant type: single nucleotide variant.
Coding change: c.1A>G on transcript NM_001320.7 (MANE Select); coding-DNA position 1, A replaced by G.
Protein change: p.Met1Val; changes the start codon (methionine 1).
Molecular consequence: missense variant, initiator codon variant.
Genome position (GRCh38, 1-based): chr6:31,666,832, A>G. VCF-style: chr6-31666832-A-G. GRCh37 (hg19) VCF-style: chr6-31634609-A-G.
Other names: c.1A>G, p.Met1Val (NM_001282385.2); short protein forms M1V.
Identifiers: ClinVar variation 932465 (VCV000932465.42), dbSNP rs1801755635, ClinGen allele CA363469062.
Genomic context (GRCh38, chr6:31,666,832, plus strand): 5'-GAGGCAGGGAAGGAGAACTTGAGCTTTACTGACACTGTTCTTTTTCTAGCTGACGTGAAG[A>G]TGAGCAGCTCAGAGGAGGTGTCCTGGATTTCCTGGTTCTGTGGGCTCCGTGGCAATGAAT-3'
Protein context (NP_001311.3, residues 1-11): [Met1Val]SSSEEVSWIS